The following is an entry in ClinVar:

ClinVar aggregate classification (germline): Uncertain significance (1 of 4 stars; one submission).

Allele frequency attached by ClinVar (database versions not stated): gnomAD exomes below 0.00001.

Submission:

Labcorp Genetics (formerly Invitae), Labcorp
Classification: Uncertain significance. Last evaluated: 2021-09-02. Review status: criteria provided, single submitter. Criteria: Invitae Variant Classification Sherloc (09022015). Collection method: clinical testing. Allele origin: germline.
Comment: This sequence change replaces threonine with alanine at codon 27 of the RLBP1 protein (p.Thr27Ala). The threonine residue is weakly conserved and there is a small physicochemical difference between threonine and alanine. This variant is not present in population databases (ExAC no frequency). This variant has not been reported in the literature in individuals affected with RLBP1-related conditions. Algorithms developed to predict the effect of missense changes on protein structure and function (SIFT, PolyPhen-2, Align-GVGD) all suggest that this variant is likely to be tolerated. In summary, the available evidence is currently insufficient to determine the role of this variant in disease. Therefore, it has been classified as a Variant of Uncertain Significance.

NM_000326.5(RLBP1):c.79A>G (p.Thr27Ala)

Gene: RLBP1 (retinaldehyde binding protein 1; minus strand). Cytogenetic location: 15q26.1.
Variant type: single nucleotide variant.
Coding change: c.79A>G on transcript NM_000326.5 (MANE Select); coding-DNA position 79, A replaced by G.
Protein change: p.Thr27Ala; replaces threonine 27 with alanine.
Molecular consequence: missense variant.
Genome position (GRCh38, 1-based): chr15:89,218,627, T>C on the plus strand (A>G on the coding strand, the complement: RLBP1 is on the minus strand). VCF-style: chr15-89218627-T-C. GRCh37 (hg19) VCF-style: chr15-89761858-T-C.
Other names: short protein forms T27A.
Identifiers: ClinVar variation 1482402 (VCV001482402.5), dbSNP rs974591388, ClinGen allele CA274536568.